The following continues an entry in ClinVar:

NM_003718.5(CDK13):c.2149G>A (p.Gly717Arg)

Gene: CDK13. ClinVar aggregate classification (germline): Pathogenic. Pathogenic (14).

Submissions 9 to 17 of 17:

Revvity Omics, Revvity
Classification: Pathogenic for Congenital heart defects, dysmorphic facial features, and intellectual developmental disorder. Last evaluated: 2019-08-26. Review status: criteria provided, single submitter. Criteria: ACMG Guidelines, 2015. Collection method: clinical testing. Allele origin: germline.

Equipe Genetique des Anomalies du Developpement, Université de Bourgogne
Classification: Pathogenic for Congenital heart defects, dysmorphic facial features, and intellectual developmental disorder. Last evaluated: 2019-05-22. Review status: criteria provided, single submitter. Criteria: ACMG Guidelines, 2015. Collection method: clinical testing. Allele origin: de novo. Affected: yes.

Fulgent Genetics
Classification: Pathogenic for Congenital heart defects, dysmorphic facial features, and intellectual developmental disorder. Last evaluated: 2018-10-31. Review status: criteria provided, single submitter. Criteria: ACMG Guidelines, 2015. Collection method: clinical testing. Allele origin: unknown.

Bicknell laboratory, University of Otago
Classification: Pathogenic for Autism Spectrum Disorder. Review status: criteria provided, single submitter. Criteria: ACMG Guidelines, 2015. Collection method: research. Allele origin: de novo. Affected: yes.

Clinical Genetics Service, Universitary Hospital 12 de Octubre
Classification: Pathogenic for Congenital heart defects, dysmorphic facial features, and intellectual developmental disorder. Review status: criteria provided, single submitter. Criteria: ACMG Guidelines, 2015. Collection method: clinical testing. Allele origin: de novo. Affected: yes.

Juno Genomics, Hangzhou Juno Genomics, Inc
Classification: Pathogenic for Congenital heart defects, dysmorphic facial features, and intellectual developmental disorder. Review status: criteria provided, single submitter. Criteria: ACMG Guidelines, 2015. Collection method: clinical testing. Allele origin: germline. Affected: yes.
Comment: Absent from controls (or at extremely low frequency if recessive) in Genome Aggregation Database.;Multiple lines of computational evidence support a deleterious effect on the gene or gene product.;Located in a mutational hot spot and/or critical and well-established functional domain without benign variation.;The prevalence of the variant in affected individuals is significantly increased compared to the prevalence in controls.;Patient's phenotype or family history is highly specific for a disease with a single genetic etiology.;De novo (both maternity and paternity confirmed) in a patient with the disease and no family history.

Solve-RD Consortium
Classification: Likely pathogenic for Congenital heart defects, dysmorphic facial features, and intellectual developmental disorder. Last evaluated: 2022-06-01. Review status: no assertion criteria provided. Collection method: provider interpretation. Allele origin: inherited. Affected: yes. Not counted in ClinVar's aggregate classification.
Comment: Variant confirmed as disease-causing by referring clinical team

Variant identified during reanalysis of unsolved cases by the Solve-RD project. The Solve-RD project has received funding from the European Union’s Horizon 2020 research and innovation programme under grant agreement No 779257.

OMIM
Classification: Pathogenic for CONGENITAL HEART DEFECTS, DYSMORPHIC FACIAL FEATURES, AND INTELLECTUAL DEVELOPMENTAL DISORDER. Last evaluated: 2018-02-02. Review status: no assertion criteria provided. Collection method: literature only. Allele origin: germline. Not counted in ClinVar's aggregate classification.

Molecular Genetics Laboratory, BC Children's and BC Women's Hospitals
Classification: Pathogenic for Congenital heart defects, dysmorphic facial features, and intellectual developmental disorder. Last evaluated: 2017-11-23. Review status: no assertion criteria provided. Criteria: ACMG Guidelines, 2015. Collection method: clinical testing. Allele origin: de novo. Affected: yes. Not counted in ClinVar's aggregate classification.

Literature cited by the submitters: PubMed 39033378 (cited by Broad Center for Mendelian Genomics, Broad Institute of MIT and Harvard); PubMed 15632290 (cited by Ambry Genetics); PubMed 22512864 (cited by Ambry Genetics); PubMed 27479907 (cited by 4 submitters); PubMed 28135719 (cited by 3 submitters); PubMed 29021403 (cited by Ambry Genetics and OMIM); PubMed 35034425 (cited by Ambry Genetics); PubMed 35043535 (cited by Ambry Genetics); PubMed 29393965 (cited by Victorian Clinical Genetics Services, Murdoch Childrens Research Institute); PubMed 30904094 (cited by Victorian Clinical Genetics Services, Murdoch Childrens Research Institute); PubMed 32762766 (cited by Victorian Clinical Genetics Services, Murdoch Childrens Research Institute); PubMed 29222009 (cited by 3 submitters); PubMed 39825153 (cited by Solve-RD Consortium).